The following is an entry in ClinVar:

ClinVar aggregate classification (germline): Uncertain significance (1 of 4 stars; one submission).

Conditions:
Emery-Dreifuss muscular dystrophy 5, autosomal dominant (EDMD5). Also called: EMERY-DREIFUSS MUSCULAR DYSTROPHY 5. Identifiers: Orphanet 261, MedGen C2751805, MONDO:0013072, OMIM 612999.

Submission:

Labcorp Genetics (formerly Invitae), Labcorp
Classification: Uncertain significance for Emery-Dreifuss muscular dystrophy 5, autosomal dominant. Last evaluated: 2022-06-04. Review status: criteria provided, single submitter. Criteria: Invitae Variant Classification Sherloc (09022015). Collection method: clinical testing. Allele origin: germline.
Comment: In summary, the available evidence is currently insufficient to determine the role of this variant in disease. Therefore, it has been classified as a Variant of Uncertain Significance. This sequence change replaces arginine, which is basic and polar, with lysine, which is basic and polar, at codon 1096 of the SYNE2 protein (p.Arg1096Lys). This variant is not present in population databases (gnomAD no frequency). This variant has not been reported in the literature in individuals affected with SYNE2-related conditions. ClinVar contains an entry for this variant (Variation ID: 864805). Algorithms developed to predict the effect of missense changes on protein structure and function output the following: SIFT: "Tolerated"; PolyPhen-2: "Benign"; Align-GVGD: "Class C0". The lysine amino acid residue is found in multiple mammalian species, which suggests that this missense change does not adversely affect protein function.

NM_182914.3(SYNE2):c.3287G>A (p.Arg1096Lys)

Gene: SYNE2 (spectrin repeat containing nuclear envelope protein 2; plus strand). Cytogenetic location: 14q23.2.
Variant type: single nucleotide variant.
Coding change: c.3287G>A on transcript NM_182914.3 (MANE Select); coding-DNA position 3287, G replaced by A.
Protein change: p.Arg1096Lys; replaces arginine 1096 with lysine.
Molecular consequence: missense variant.
Genome position (GRCh38, 1-based): chr14:63,998,262, G>A. VCF-style: chr14-63998262-G-A. GRCh37 (hg19) VCF-style: chr14-64464980-G-A.
Other names: c.3287G>A, p.Arg1096Lys (NM_015180.6); short protein forms R1096K.
Identifiers: ClinVar variation 864805 (VCV000864805.9), dbSNP rs2096728053, ClinGen allele CA389989707.